The following is an entry in ClinVar:

ClinVar aggregate classification (germline): Benign/Likely benign. Review status: criteria provided, multiple submitters, no conflicts (2 of 4 stars). 16 submissions from 10 submitters: Benign (13); Likely benign (1). 2 of the submissions do not count toward it. Last evaluated 2026-02-04.

Conditions:
Basal laminar drusen. Also called: DRUSEN OF BRUCH MEMBRANE; DRUSEN, CUTICULAR; DRUSEN, EARLY ADULT-ONSET, GROUPED. Identifiers: Orphanet 75376, MedGen C0730295, MONDO:0007472, OMIM 126700.
Atypical hemolytic-uremic syndrome. Identifiers: Orphanet 2134, MedGen C2931788, MONDO:0016244.
Age related macular degeneration 4. Identifiers: MedGen C1853147, MONDO:0012540, OMIM 610698.
Factor H deficiency (CFHD). Also called: COMPLEMENT FACTOR H DEFICIENCY; CFH DEFICIENCY. Identifiers: Orphanet 200421, MedGen C0398777, MONDO:0012350, OMIM 609814.
CFH-Related Dense Deposit Disease / Membranoproliferative Glomerulonephritis Type II. Identifiers: MedGen CN071292.
Focal segmental glomerulosclerosis (FSGS). Also called: Glomerulosclerosis, focal; Focal sclerosis with hyalinosis. Identifiers: MedGen C0017668, MONDO:0100313, HP:0000097. Disease mechanism: loss of function.
Hemolytic uremic syndrome, atypical, susceptibility to, 1. Also called: AHUS, SUSCEPTIBILITY TO, 1. Identifiers: Orphanet 2134, Orphanet 90038, MedGen C2749604, MONDO:0009335, OMIM 235400. Disease mechanism: Other.

Allele frequency attached by ClinVar (database versions not stated): ESP Exome Variant Server 0.13694; gnomAD 0.14639 and 0.15142; TOPMed 0.16043; gnomAD exomes 0.17664 and 0.20398; ExAC 0.19473; 1000 Genomes Project 30x 0.19597; 1000 Genomes Project 0.20288.
gnomAD v4.1: 280,291 of 1,608,810 alleles (17%); highest among the groups gnomAD compares: East Asian, 48%; 28,710 homozygotes.

Submissions (16):

Labcorp Genetics (formerly Invitae), Labcorp
Classification: Benign. Last evaluated: 2026-02-04. Review status: criteria provided, single submitter. Criteria: Invitae Variant Classification Sherloc (09022015). Collection method: clinical testing. Allele origin: germline.

Women's Health and Genetics/Laboratory Corporation of America, LabCorp
Classification: Benign. Last evaluated: 2026-01-21. Review status: criteria provided, single submitter. Criteria: LabCorp Variant Classification Summary - May 2015. Collection method: clinical testing. Allele origin: germline.

Genomenon, Inc
Classification: Benign for Basal laminar drusen; Age related macular degeneration 4; Atypical hemolytic-uremic syndrome; Factor H deficiency. Last evaluated: 2025-10-02. Review status: criteria provided, single submitter. Criteria: Genomenon Sequence Variant Interpretation Standards - Updated. Collection method: curation. Allele origin: germline. Affected: no.
Comment: CFH p.Gln672= (c.2016A>G) is a synonymous variant that retains Glutamine at residue 672. This variant is present at high allele frequency in population databases. In conclusion, we classify CFH p.Gln672= (c.2016A>G) as a benign variant.

Blueprint Genetics
Classification: Likely benign. Last evaluated: 2024-11-26. Review status: criteria provided, single submitter. Criteria: ACMG Guidelines, 2015. Collection method: clinical testing. Allele origin: germline.

Genome Diagnostics Laboratory, The Hospital for Sick Children
Classification: Benign for Focal segmental glomerulosclerosis. Last evaluated: 2022-09-27. Review status: criteria provided, single submitter. Criteria: ACMG Guidelines, 2015. Collection method: clinical testing. Allele origin: germline.

Genome-Nilou Lab
Classification: Benign for Basal laminar drusen. Last evaluated: 2021-07-22. Review status: criteria provided, single submitter. Criteria: ACMG Guidelines, 2015. Collection method: clinical testing. Allele origin: germline. Affected: no.

Genome-Nilou Lab
Classification: Benign for Factor H deficiency. Last evaluated: 2021-07-22. Review status: criteria provided, single submitter. Criteria: ACMG Guidelines, 2015. Collection method: clinical testing. Allele origin: germline. Affected: no.

Genome-Nilou Lab
Classification: Benign for Hemolytic uremic syndrome, atypical, susceptibility to, 1. Last evaluated: 2021-07-22. Review status: criteria provided, single submitter. Criteria: ACMG Guidelines, 2015. Collection method: clinical testing. Allele origin: germline. Affected: no.

Genome-Nilou Lab
Classification: Benign for Age related macular degeneration 4. Last evaluated: 2021-07-22. Review status: criteria provided, single submitter. Criteria: ACMG Guidelines, 2015. Collection method: clinical testing. Allele origin: germline. Affected: no.

Illumina Laboratory Services, Illumina
Classification: Benign for Membranoproliferative glomerulonephritis with complement factor h deficiency. Last evaluated: 2017-04-27. Review status: criteria provided, single submitter. Criteria: ICSL Variant Classification Criteria 13 December 2019. Collection method: clinical testing. Allele origin: germline.
Comment: This variant was observed as part of a predisposition screen in an ostensibly healthy population. A literature search was performed for the gene, cDNA change, and amino acid change (where applicable). No publications were found based on this search. Allele frequency data from public databases was too high to be consistent with this variant causing disease. Therefore, this variant is classified as benign.

Illumina Laboratory Services, Illumina
Classification: Benign for Hemolytic uremic syndrome, atypical, susceptibility to, 1. Last evaluated: 2017-04-27. Review status: criteria provided, single submitter. Criteria: ICSL Variant Classification Criteria 13 December 2019. Collection method: clinical testing. Allele origin: germline.
Comment: the same text as in the submission from Illumina Laboratory Services, Illumina above.

Illumina Laboratory Services, Illumina
Classification: Benign for Basal laminar drusen. Last evaluated: 2017-04-27. Review status: criteria provided, single submitter. Criteria: ICSL Variant Classification Criteria 13 December 2019. Collection method: clinical testing. Allele origin: germline.
Comment: the same text as in the submission from Illumina Laboratory Services, Illumina above.

Illumina Laboratory Services, Illumina
Classification: Benign for Age related macular degeneration 4. Last evaluated: 2017-04-27. Review status: criteria provided, single submitter. Criteria: ICSL Variant Classification Criteria 13 December 2019. Collection method: clinical testing. Allele origin: germline.
Comment: the same text as in the submission from Illumina Laboratory Services, Illumina above.

Breakthrough Genomics
Classification: Benign. Review status: criteria provided, single submitter. Criteria: ACMG Guidelines, 2015. Collection method: not provided. Allele origin: germline. Inheritance: Autosomal recessive inheritance. Affected: yes.

Genome Diagnostics Laboratory, University Medical Center Utrecht
Classification: Benign. Review status: no assertion criteria provided. Collection method: clinical testing. Allele origin: germline. Affected: yes. Study: VKGL Data-share Consensus. Not counted in ClinVar's aggregate classification.

Joint Genome Diagnostic Labs from Nijmegen and Maastricht, Radboudumc and MUMC+
Classification: Benign. Review status: no assertion criteria provided. Collection method: clinical testing. Allele origin: germline. Affected: yes. Study: VKGL Data-share Consensus. Not counted in ClinVar's aggregate classification.

NM_000186.4(CFH):c.2016A>G (p.Gln672=)

Gene: CFH (complement factor H; plus strand). Cytogenetic location: 1q31.3.
Variant type: single nucleotide variant.
Coding change: c.2016A>G on transcript NM_000186.4 (MANE Select); coding-DNA position 2016, A replaced by G.
Protein change: p.Gln672=; no amino-acid change (glutamine 672 retained).
Molecular consequence: synonymous variant.
Genome position (GRCh38, 1-based): chr1:196,726,612, A>G. VCF-style: chr1-196726612-A-G. GRCh37 (hg19) VCF-style: chr1-196695742-A-G.
Identifiers: ClinVar variation 294498 (VCV000294498.25), dbSNP rs3753396, ClinGen allele CA1305546.